The following is an entry in ClinVar:

ClinVar aggregate classification (germline): Benign/Likely benign. Review status: criteria provided, multiple submitters, no conflicts (2 of 4 stars). 3 submissions from 3 submitters: Benign (1); Likely benign (2). Last evaluated 2024-10-15.

Conditions:
Hereditary cancer-predisposing syndrome. Also called: Hereditary neoplastic syndrome; Neoplastic Syndromes, Hereditary; Tumor predisposition; Hereditary Cancer Syndrome. Identifiers: Orphanet 140162, MedGen C0027672, MeSH D009386, MONDO:0015356.
Oligodontia-cancer predisposition syndrome. Also called: TOOTH AGENESIS-COLORECTAL CANCER SYNDROME. Identifiers: Orphanet 300576, MedGen C1837750, MONDO:0012075, OMIM 608615. Disease mechanism: loss of function.

Submissions (3):

Ambry Genetics
Classification: Likely benign for Hereditary cancer-predisposing syndrome. Last evaluated: 2024-10-15. Review status: criteria provided, single submitter. Criteria: Ambry Variant Classification Scheme 2023. Collection method: clinical testing. Allele origin: germline.

Myriad Genetics, Inc.
Classification: Benign for Oligodontia-cancer predisposition syndrome. Last evaluated: 2024-07-01. Review status: criteria provided, single submitter. Criteria: Myriad Autosomal Dominant, Autosomal Recessive and X-Linked Classification Criteria (2023). Collection method: clinical testing. Allele origin: unknown.
Comment: This variant is considered benign. This variant is a silent/synonymous amino acid change and it is not expected to impact splicing.

Labcorp Genetics (formerly Invitae), Labcorp
Classification: Likely benign for Oligodontia-cancer predisposition syndrome. Last evaluated: 2024-06-29. Review status: criteria provided, single submitter. Criteria: Invitae Variant Classification Sherloc (09022015). Collection method: clinical testing. Allele origin: germline.

NM_004655.4(AXIN2):c.1182C>T (p.Arg394=)

Gene: AXIN2 (axin 2; minus strand). Cytogenetic location: 17q24.1.
Variant type: single nucleotide variant.
Coding change: c.1182C>T on transcript NM_004655.4 (MANE Select); coding-DNA position 1182, C replaced by T.
Protein change: p.Arg394=; no amino-acid change (arginine 394 retained).
Molecular consequence: synonymous variant.
Genome position (GRCh38, 1-based): chr17:65,538,221, G>A on the plus strand (C>T on the coding strand, the complement: AXIN2 is on the minus strand). VCF-style: chr17-65538221-G-A. GRCh37 (hg19) VCF-style: chr17-63534339-G-A.
Other names: c.1182C>T, p.Arg394= (NM_001363813.1).
Identifiers: ClinVar variation 2783261 (VCV002783261.5), dbSNP rs2544181681, ClinGen allele CA501476253.